The following is an entry in ClinVar:

NM_024306.5(FA2H):c.733G>A (p.Asp245Asn)

Gene: FA2H (fatty acid 2-hydroxylase; minus strand). Cytogenetic location: 16q23.1.
Variant type: single nucleotide variant.
Coding change: c.733G>A on transcript NM_024306.5 (MANE Select); coding-DNA position 733, G replaced by A.
Protein change: p.Asp245Asn; replaces aspartic acid 245 with asparagine.
Molecular consequence: missense variant.
Genome position (GRCh38, 1-based): chr16:74,719,041, C>T on the plus strand (G>A on the coding strand, the complement: FA2H is on the minus strand). VCF-style: chr16-74719041-C-T. GRCh37 (hg19) VCF-style: chr16-74752939-C-T.
Other names: c.733G>A (NM_024306.4); short protein forms D245N.
Identifiers: ClinVar variation 1117406 (VCV001117406.13), dbSNP rs201126702, ClinGen allele CA8170423.
Genomic context (GRCh38, chr16:74,719,041, plus strand): 5'-CGCTCACCTTGTGGTGCTGGCCGTGCATGACGAAGTGCAGCATGATGAGGTAATAGCTGT[C>T]GCTGGGGGGCTTCATGTGGAACAGGAAGCGGTGGATGAGGTACTCGATGAGGCTCCAGAG-3'
Protein context (NP_077282.3, residues 235-255): RFLFHMKPPS[Asp245Asn]SYYLIMLHFV

ClinVar aggregate classification (germline): Conflicting classifications of pathogenicity. Review status: criteria provided, conflicting classifications (1 of 4 stars). 5 submissions from 5 submitters: Uncertain significance (2); Likely benign (3). Last evaluated 2026-01-19.

Conditions:
Inborn genetic diseases. Identifiers: MedGen C0950123, MeSH D030342.
Spastic paraplegia. Identifiers: MedGen C0037772, HP:0001258.

Allele frequency attached by ClinVar (database versions not stated): TOPMed 0.00005; gnomAD exomes 0.00006; gnomAD 0.00007; ExAC 0.00008; 1000 Genomes Project 30x 0.00016; 1000 Genomes Project 0.00020.
gnomAD v4.1: 101 of 1,613,984 alleles (0.0063%); highest among the groups gnomAD compares: Non-Finnish European, 0.0078%; no homozygotes.

Submissions (5):

Labcorp Genetics (formerly Invitae), Labcorp
Classification: Likely benign for Spastic paraplegia. Last evaluated: 2026-01-19. Review status: criteria provided, single submitter. Criteria: Invitae Variant Classification Sherloc (09022015). Collection method: clinical testing. Allele origin: germline.

Athena Diagnostics
Classification: Uncertain significance. Last evaluated: 2025-10-08. Review status: criteria provided, single submitter. Criteria: Athena Diagnostics Criteria. Collection method: clinical testing. Allele origin: unknown.
Comment: Available data are insufficient to determine the clinical significance of the variant at this time. The frequency of this variant in the general population is uninformative in assessment of its pathogenicity. Polyphen and MutationTaster predict this amino acid change may be benign.

GeneDx
Classification: Uncertain significance. Last evaluated: 2024-11-10. Review status: criteria provided, single submitter. Criteria: GeneDx Variant Classification Process June 2021. Collection method: clinical testing. Allele origin: germline. Affected: yes.
Comment: Not observed at significant frequency in large population cohorts (gnomAD); In silico analysis indicates that this missense variant does not alter protein structure/function; Has not been previously published as pathogenic or benign to our knowledge; This variant is associated with the following publications: (PMID: 24359114)

Blueprint Genetics
Classification: Likely benign. Last evaluated: 2024-02-08. Review status: criteria provided, single submitter. Criteria: ACMG Guidelines, 2015. Collection method: clinical testing. Allele origin: germline.

Ambry Genetics
Classification: Likely benign for Inborn genetic diseases. Last evaluated: 2021-12-20. Review status: criteria provided, single submitter. Criteria: Ambry Variant Classification Scheme 2023. Collection method: clinical testing. Allele origin: germline.